The following is an entry in ClinVar:

NM_014363.6(SACS):c.10980C>T (p.Pro3660=)

Gene: SACS (sacsin molecular chaperone; minus strand). Cytogenetic location: 13q12.12.
Variant type: single nucleotide variant.
Coding change: c.10980C>T on transcript NM_014363.6 (MANE Select); coding-DNA position 10980, C replaced by T.
Protein change: p.Pro3660=; no amino-acid change (proline 3660 retained).
Molecular consequence: synonymous variant.
Genome position (GRCh38, 1-based): chr13:23,332,896, G>A on the plus strand (C>T on the coding strand, the complement: SACS is on the minus strand). VCF-style: chr13-23332896-G-A. GRCh37 (hg19) VCF-style: chr13-23907035-G-A.
Other names: p.Pro3660=; c.10539C>T, p.Pro3513= (NM_001278055.2).
Identifiers: ClinVar variation 695796 (VCV000695796.16), dbSNP rs141353693, ClinGen allele CA6910358.

ClinVar aggregate classification (germline): Conflicting classifications of pathogenicity. Review status: criteria provided, conflicting classifications (1 of 4 stars). 5 submissions from 5 submitters: Uncertain significance (1); Likely benign (3). 1 of the submissions does not count toward it. Last evaluated 2026-07-06.

Conditions:
SACS-related disorder. Also called: SACS-related condition.
Charlevoix-Saguenay spastic ataxia (SACS). Also called: SPASTIC ATAXIA 6, AUTOSOMAL RECESSIVE; AUTOSOMAL RECESSIVE SPASTIC ATAXIA OF CHARLEVOIX-SAGUENAY; Spastic ataxia of Charlevoix-Saguenay. Identifiers: Orphanet 98, MedGen C1849140, MONDO:0010041, OMIM 270550.
Spastic paraplegia. Identifiers: MedGen C0037772, HP:0001258.
Hereditary spastic paraplegia. Also called: Familial spastic paraparesis. Identifiers: Orphanet 685, MedGen C0037773, MONDO:0019064. Disease mechanism: loss of function.

Allele frequency attached by ClinVar (database versions not stated): TOPMed 0.00005; ESP Exome Variant Server 0.00008; gnomAD 0.00008 and 0.00005; gnomAD exomes 0.00002 and 0.00004; ExAC 0.00004.
gnomAD v4.1: 41 of 1,613,686 alleles (0.0025%); highest among the groups gnomAD compares: South Asian, 0.011%; no homozygotes.

Submissions (5):

PreventionGenetics, part of Exact Sciences
Classification: Likely benign for SACS-related condition. Last evaluated: 2026-07-06. Review status: criteria provided, single submitter. Criteria: ACMG Guidelines, 2015. Collection method: clinical testing. Allele origin: germline.
Comment: This variant is classified as likely benign based on ACMG/AMP sequence variant interpretation guidelines (Richards et al. 2015 PMID: 25741868, with internal and published modifications).

Labcorp Genetics (formerly Invitae), Labcorp
Classification: Likely benign for Spastic paraplegia. Last evaluated: 2026-01-20. Review status: criteria provided, single submitter. Criteria: Invitae Variant Classification Sherloc (09022015). Collection method: clinical testing. Allele origin: germline.

Mayo Clinic Laboratories, Mayo Clinic
Classification: Likely benign. Last evaluated: 2025-10-12. Review status: criteria provided, single submitter. Criteria: ACMG Guidelines, 2015. Collection method: clinical testing. Allele origin: germline. Observed: 1 variant allele.
Comment: BP4, BP7

Genome Diagnostics Laboratory, The Hospital for Sick Children
Classification: Uncertain significance for Hereditary spastic paraplegia. Last evaluated: 2020-03-01. Review status: criteria provided, single submitter. Criteria: ACMG Guidelines, 2015. Collection method: clinical testing. Allele origin: germline. Affected: yes.

Natera, Inc.
Classification: Likely benign for Charlevoix-Saguenay type spastic ataxia. Last evaluated: 2020-03-11. Review status: no assertion criteria provided. Collection method: clinical testing. Allele origin: germline. Not counted in ClinVar's aggregate classification.